The following is an entry in ClinVar:

ClinVar aggregate classification (germline): Uncertain significance (1 of 4 stars; one submission).

Submission:

Labcorp Genetics (formerly Invitae), Labcorp
Classification: Uncertain significance. Last evaluated: 2022-09-12. Review status: criteria provided, single submitter. Criteria: Invitae Variant Classification Sherloc (09022015). Collection method: clinical testing. Allele origin: germline.
Comment: ClinVar contains an entry for this variant (Variation ID: 1479857). In summary, the available evidence is currently insufficient to determine the role of this variant in disease. Therefore, it has been classified as a Variant of Uncertain Significance. Algorithms developed to predict the effect of missense changes on protein structure and function are either unavailable or do not agree on the potential impact of this missense change (SIFT: "Deleterious"; PolyPhen-2: "Possibly Damaging"; Align-GVGD: "Class C0"). This variant has not been reported in the literature in individuals affected with DYNC1I1-related conditions. This variant is not present in population databases (gnomAD no frequency). This sequence change replaces valine, which is neutral and non-polar, with leucine, which is neutral and non-polar, at codon 343 of the DYNC1I1 protein (p.Val343Leu).

NM_001135556.2(DYNC1I1):c.976G>C (p.Val326Leu)

Gene: DYNC1I1 (dynein cytoplasmic 1 intermediate chain 1; plus strand). Cytogenetic location: 7q21.3.
Variant type: single nucleotide variant.
Coding change: c.976G>C on transcript NM_001135556.2 (MANE Select); coding-DNA position 976, G replaced by C.
Protein change: p.Val326Leu; replaces valine 326 with leucine.
Molecular consequence: missense variant.
Genome position (GRCh38, 1-based): chr7:96,028,181, G>C. VCF-style: chr7-96028181-G-C. GRCh37 (hg19) VCF-style: chr7-95657493-G-C.
Other names: c.916G>C, p.Val306Leu (NM_001135557.2, NM_001278422.2); c.967G>C, p.Val323Leu (NM_001278421.2); c.1027G>C, p.Val343Leu (NM_004411.5); short protein forms V306L, V323L, V343L, V326L.
Identifiers: ClinVar variation 1479857 (VCV001479857.8), dbSNP rs2115962402, ClinGen allele CA368405218.